The following is an entry in ClinVar:

NM_032119.4(ADGRV1):c.3179C>T (p.Thr1060Met)

Gene: ADGRV1 (adhesion G protein-coupled receptor V1; plus strand). Cytogenetic location: 5q14.3.
Variant type: single nucleotide variant.
Coding change: c.3179C>T on transcript NM_032119.4 (MANE Select); coding-DNA position 3179, C replaced by T.
Protein change: p.Thr1060Met; replaces threonine 1060 with methionine.
Molecular consequence: missense variant. On other transcripts: non-coding transcript variant (1).
Genome position (GRCh38, 1-based): chr5:90,647,654, C>T. VCF-style: chr5-90647654-C-T. GRCh37 (hg19) VCF-style: chr5-89943471-C-T.
Other names: short protein forms T1060M.
Identifiers: ClinVar variation 667068 (VCV000667068.13), dbSNP rs768978840, ClinGen allele CA3339116.

ClinVar aggregate classification (germline): Conflicting classifications of pathogenicity. Review status: criteria provided, conflicting classifications (1 of 4 stars). 4 submissions from 4 submitters: Uncertain significance (2); Likely benign (2). Last evaluated 2025-10-24.

Conditions:
ADGRV1-related disorder. Also called: ADGRV1-related disorders; ADGRV1-related condition.

Allele frequency attached by ClinVar (database versions not stated): ExAC 0.00001; TOPMed 0.00002; gnomAD 0.00003 and 0.00002; gnomAD exomes 0.00001 and 0.00002.
gnomAD v4.1: 21 of 1,613,718 alleles (0.0013%); highest among the groups gnomAD compares: African/African-American, 0.0053%; no homozygotes.

Submissions (4):

PreventionGenetics, part of Exact Sciences
Classification: Uncertain significance for ADGRV1-related condition. Last evaluated: 2025-10-24. Review status: criteria provided, single submitter. Criteria: ACMG Guidelines, 2015. Collection method: clinical testing. Allele origin: germline.
Comment: The ADGRV1 c.3179C>T variant is predicted to result in the amino acid substitution p.Thr1060Met. To our knowledge, this variant has not been reported in the literature. This variant is reported in 0.0065% of alleles in individuals of South Asian descent in gnomAD. At this time, the clinical significance of this variant is uncertain due to the absence of conclusive functional and genetic evidence.

Labcorp Genetics (formerly Invitae), Labcorp
Classification: Likely benign. Last evaluated: 2025-10-15. Review status: criteria provided, single submitter. Criteria: Invitae Variant Classification Sherloc (09022015). Collection method: clinical testing. Allele origin: germline.

Blueprint Genetics
Classification: Uncertain significance. Last evaluated: 2024-07-16. Review status: criteria provided, single submitter. Criteria: ACMG Guidelines, 2015. Collection method: clinical testing. Allele origin: germline.

Laboratory for Molecular Medicine, Mass General Brigham Personalized Medicine
Classification: Likely benign. Last evaluated: 2018-08-24. Review status: criteria provided, single submitter. Criteria: LMM Criteria. Collection method: clinical testing. Allele origin: germline. Observed: 1 variant allele.
Comment: The p.Thr1060Met variant in ADGRV1 is classified as likely benign due to a lack of conservation across species. Several species including mammals have Methionin e (Met) at this position. It has been identified in 2/30780 South Asian chromos omes by the Genome Aggregation Database (gnomAD, g). ACMG/AMP Criteria applied: BP4_Strong, PM2.